The following is an entry in ClinVar:

NM_138387.4(G6PC3):c.273C>G (p.Ser91Arg)

Gene: G6PC3 (glucose-6-phosphatase catalytic subunit 3; plus strand). Cytogenetic location: 17q21.31.
Variant type: single nucleotide variant.
Coding change: c.273C>G on transcript NM_138387.4 (MANE Select); coding-DNA position 273, C replaced by G.
Protein change: p.Ser91Arg; replaces serine 91 with arginine.
Molecular consequence: missense variant. On other transcripts: 5 prime UTR variant (4).
Genome position (GRCh38, 1-based): chr17:44,074,214, C>G. VCF-style: chr17-44074214-C-G. GRCh37 (hg19) VCF-style: chr17-42151582-C-G.
Other names: c.273C>G, p.Ser91Arg (NM_001319945.2); c.-73C>G (NM_001384165.1, NM_001384166.1, NM_001384167.1 and 1 more transcripts); short protein forms S91R.
Identifiers: ClinVar variation 4027607 (VCV004027607.1).

ClinVar aggregate classification (germline): Uncertain significance (1 of 4 stars; one submission).

Conditions:
Inborn genetic diseases. Identifiers: MedGen C0950123, MeSH D030342.

Submission:

Ambry Genetics
Classification: Uncertain significance for Inborn genetic diseases. Last evaluated: 2025-05-17. Review status: criteria provided, single submitter. Criteria: Ambry Variant Classification Scheme 2023. Collection method: clinical testing. Allele origin: germline.
Comment: The p.S91R variant (also known as c.273C>G), located in coding exon 2 of the G6PC3 gene, results from a C to G substitution at nucleotide position 273. The serine at codon 91 is replaced by arginine, an amino acid with dissimilar properties. This amino acid position is conserved. In addition, this alteration is predicted to be tolerated by in silico analysis. Based on the available evidence, the clinical significance of this variant remains unclear.